The following is an entry in ClinVar:

ClinVar aggregate classification (germline): Uncertain significance. Review status: criteria provided, multiple submitters, no conflicts (2 of 4 stars). 3 submissions from 3 submitters: Uncertain significance (3). Last evaluated 2024-09-09.

Conditions:
Inborn genetic diseases. Identifiers: MedGen C0950123, MeSH D030342.
Glycogen storage disease, type VI (GSD6). Also called: Glycogen storage disease type 6, due to phosphorylation; GSD VI; Glycogen storage disease type 6; Hepatic glycogen phosphorylase deficiency; HERS DISEASE; PHOSPHORYLASE DEFICIENCY GLYCOGEN-STORAGE DISEASE OF LIVER. Identifiers: Orphanet 369, MedGen C0017925, MONDO:0009294, OMIM 232700.

Allele frequency attached by ClinVar (database versions not stated): gnomAD 0.00004 and 0.00011; TOPMed 0.00006; ESP Exome Variant Server 0.00008; 1000 Genomes Project 30x 0.00016; 1000 Genomes Project 0.00020; ExAC 0.00023.
gnomAD v4.1: 153 of 1,614,156 alleles (0.0095%); highest among the groups gnomAD compares: South Asian, 0.13%; 1 homozygote.

Submissions (3):

Ambry Genetics
Classification: Uncertain significance for Inborn genetic diseases. Last evaluated: 2024-09-09. Review status: criteria provided, single submitter. Criteria: Ambry Variant Classification Scheme 2023. Collection method: clinical testing. Allele origin: germline.

Illumina Laboratory Services, Illumina
Classification: Uncertain significance for Glycogen storage disease, type VI. Last evaluated: 2018-01-13. Review status: criteria provided, single submitter. Criteria: ICSL Variant Classification Criteria 13 December 2019. Collection method: clinical testing. Allele origin: germline.

Juno Genomics, Hangzhou Juno Genomics, Inc
Classification: Uncertain significance for Glycogen storage disease, type VI. Review status: criteria provided, single submitter. Criteria: ACMG Guidelines, 2015. Collection method: clinical testing. Allele origin: germline.
Comment: Absent from controls (or at extremely low frequency if recessive) in Genome Aggregation Database.;Multiple lines of computational evidence support a deleterious effect on the gene or gene product.

NM_002863.5(PYGL):c.1196G>A (p.Arg399Gln)

Gene: PYGL (glycogen phosphorylase L; minus strand). Cytogenetic location: 14q22.1.
Variant type: single nucleotide variant.
Coding change: c.1196G>A on transcript NM_002863.5 (MANE Select); coding-DNA position 1196, G replaced by A.
Protein change: p.Arg399Gln; replaces arginine 399 with glutamine.
Molecular consequence: missense variant.
Genome position (GRCh38, 1-based): chr14:50,915,868, C>T on the plus strand (G>A on the coding strand, the complement: PYGL is on the minus strand). VCF-style: chr14-50915868-C-T. GRCh37 (hg19) VCF-style: chr14-51382586-C-T.
Other names: c.1094G>A, p.Arg365Gln (NM_001163940.2); short protein forms R399Q, R365Q.
Identifiers: ClinVar variation 313326 (VCV000313326.8), dbSNP rs369207678, ClinGen allele CA7183533.